The following is an entry in ClinVar:

NM_003730.6(RNASET2):c.325C>T (p.Arg109Cys)

Gene: RNASET2 (ribonuclease T2; minus strand). Cytogenetic location: 6q27.
Variant type: single nucleotide variant.
Coding change: c.325C>T on transcript NM_003730.6 (MANE Select); coding-DNA position 325, C replaced by T.
Protein change: p.Arg109Cys; replaces arginine 109 with cysteine.
Molecular consequence: missense variant.
Genome position (GRCh38, 1-based): chr6:166,943,026, G>A on the plus strand (C>T on the coding strand, the complement: RNASET2 is on the minus strand). VCF-style: chr6-166943026-G-A. GRCh37 (hg19) VCF-style: chr6-167356514-G-A.
Other names: short protein forms R109C.
Identifiers: ClinVar variation 2178332 (VCV002178332.4), dbSNP rs780445402, ClinGen allele CA4095053.
Genomic context (GRCh38, chr6:166,943,026, plus strand): 5'-CCCCACACCCGCTCAGACAGTAATCAAGACAGCAATCAGAGGCTGGGACTTACCAGAAGC[G>A]GCTGCGATTGGGAAACGAGTGAATTACGTCAGGCCAGTATGCCCTCATTTCTGGCAAAAG-3'
Protein context (NP_003721.2, residues 99-119): DVIHSFPNRS[Arg109Cys]FWKHEWEKHG

ClinVar aggregate classification (germline): Uncertain significance (1 of 4 stars; one submission).

Allele frequency attached by ClinVar (database versions not stated): gnomAD 0.00001; TOPMed 0.00001.
gnomAD v4.1: 16 of 1,613,374 alleles (0.00099%); highest among the groups gnomAD compares: Admixed American, 0.005%; no homozygotes.

Submission:

Labcorp Genetics (formerly Invitae), Labcorp
Classification: Uncertain significance. Last evaluated: 2024-03-11. Review status: criteria provided, single submitter. Criteria: Invitae Variant Classification Sherloc (09022015). Collection method: clinical testing. Allele origin: germline.
Comment: This sequence change replaces arginine, which is basic and polar, with cysteine, which is neutral and slightly polar, at codon 109 of the RNASET2 protein (p.Arg109Cys). This variant is present in population databases (rs780445402, gnomAD 0.01%). This variant has not been reported in the literature in individuals affected with RNASET2-related conditions. ClinVar contains an entry for this variant (Variation ID: 2178332). Advanced modeling of protein sequence and biophysical properties (such as structural, functional, and spatial information, amino acid conservation, physicochemical variation, residue mobility, and thermodynamic stability) performed at Invitae indicates that this missense variant is not expected to disrupt RNASET2 protein function with a negative predictive value of 80%. In summary, the available evidence is currently insufficient to determine the role of this variant in disease. Therefore, it has been classified as a Variant of Uncertain Significance.